The following is an entry in ClinVar:

ClinVar aggregate classification (germline): Uncertain significance (1 of 4 stars; one submission).

Conditions:
Dyskeratosis congenita. Identifiers: Orphanet 1775, MedGen C0265965, MONDO:0015780.

gnomAD v4.1: 1 of 1,583,768 alleles (0.000063%); highest among the groups gnomAD compares: Non-Finnish European, 0.000085%; no homozygotes.

Submission:

Ambry Genetics
Classification: Uncertain significance for Dyskeratosis congenita. Last evaluated: 2026-01-13. Review status: criteria provided, single submitter. Criteria: Ambry Variant Classification Scheme 2023. Collection method: clinical testing. Allele origin: germline.
Comment: The c.381G>A variant (also known as p.V127V), located in coding exon 2 of the TERT gene, results from a G to A substitution at nucleotide position 381. This nucleotide substitution does not change the amino acid at codon 127. This nucleotide position is not well conserved in available vertebrate species. In silico splice site analysis predicts that this alteration may result in the creation or strengthening of a novel splice donor site. Based on the available evidence, the clinical significance of this variant remains unclear.

NM_198253.3(TERT):c.381G>A (p.Val127=)

Gene: TERT (telomerase reverse transcriptase; minus strand). Cytogenetic location: 5p15.33.
Variant type: single nucleotide variant.
Coding change: c.381G>A on transcript NM_198253.3 (MANE Select); coding-DNA position 381, G replaced by A.
Protein change: p.Val127=; no amino-acid change (valine 127 retained).
Molecular consequence: synonymous variant. On other transcripts: non-coding transcript variant (2).
Genome position (GRCh38, 1-based): chr5:1,294,505, C>T on the plus strand (G>A on the coding strand, the complement: TERT is on the minus strand). VCF-style: chr5-1294505-C-T. GRCh37 (hg19) VCF-style: chr5-1294620-C-T.
Other names: c.381G>A, p.Val127= (NM_001193376.3).
Identifiers: ClinVar variation 4841360 (VCV004841360.1).
Genomic context (GRCh38, chr5:1,294,505, plus strand): 5'-GTCGTCGCCCACGCGGCGCAGCAGCAGCCCCCACGCCCCGCTCCCCCGCAGTGCGTCGGT[C>T]ACCGTGTTGGGCAGGTAGCTGCGCACGCTGGTGGTGAAGGCCTCGGGGGGGCCCCCGCGG-3'
Protein context (NP_937983.2, residues 117-137): TSVRSYLPNT[Val127=]TDALRGSGAW